The following is an entry in ClinVar:

ClinVar aggregate classification (germline): Uncertain significance (1 of 4 stars; one submission).

Conditions:
Catecholaminergic polymorphic ventricular tachycardia 1. Also called: VENTRICULAR TACHYCARDIA, STRESS-INDUCED POLYMORPHIC 1; VENTRICULAR TACHYCARDIA, CATECHOLAMINERGIC POLYMORPHIC, 1, WITH OR WITHOUT ATRIAL DYSFUNCTION AND/OR DILATED CARDIOMYOPATHY; RYR2-Related Catecholaminergic Polymorphic Ventricular Tachycardia. Identifiers: Orphanet 3286, MedGen C1631597, MONDO:0011484, OMIM 604772.

gnomAD v4.1: 1 of 1,611,742 alleles (0.000062%); highest among the groups gnomAD compares: Non-Finnish European, 0.000085%; no homozygotes.

Submission:

Labcorp Genetics (formerly Invitae), Labcorp
Classification: Uncertain significance for Catecholaminergic polymorphic ventricular tachycardia 1. Last evaluated: 2024-06-30. Review status: criteria provided, single submitter. Criteria: Invitae Variant Classification Sherloc (09022015). Collection method: clinical testing. Allele origin: germline.
Comment: This sequence change replaces alanine, which is neutral and non-polar, with valine, which is neutral and non-polar, at codon 3529 of the RYR2 protein (p.Ala3529Val). This variant is not present in population databases (gnomAD no frequency). This variant has not been reported in the literature in individuals affected with RYR2-related conditions. Advanced modeling of protein sequence and biophysical properties (such as structural, functional, and spatial information, amino acid conservation, physicochemical variation, residue mobility, and thermodynamic stability) performed at Invitae indicates that this missense variant is not expected to disrupt RYR2 protein function with a negative predictive value of 95%. In summary, the available evidence is currently insufficient to determine the role of this variant in disease. Therefore, it has been classified as a Variant of Uncertain Significance.

NM_001035.3(RYR2):c.10586C>T (p.Ala3529Val)

Gene: RYR2 (ryanodine receptor 2; plus strand). Cytogenetic location: 1q43.
Variant type: single nucleotide variant.
Coding change: c.10586C>T on transcript NM_001035.3 (MANE Select); coding-DNA position 10586, C replaced by T.
Protein change: p.Ala3529Val; replaces alanine 3529 with valine.
Molecular consequence: missense variant.
Genome position (GRCh38, 1-based): chr1:237,723,159, C>T. VCF-style: chr1-237723159-C-T. GRCh37 (hg19) VCF-style: chr1-237886459-C-T.
Other names: short protein forms A3529V.
Identifiers: ClinVar variation 3701019 (VCV003701019.2).